The following is an entry in ClinVar:

NM_018897.3(DNAH7):c.5587G>A (p.Asp1863Asn)

Gene: DNAH7 (dynein axonemal heavy chain 7; minus strand). Cytogenetic location: 2q32.3.
Variant type: single nucleotide variant.
Coding change: c.5587G>A on transcript NM_018897.3 (MANE Select); coding-DNA position 5587, G replaced by A.
Protein change: p.Asp1863Asn; replaces aspartic acid 1863 with asparagine.
Molecular consequence: missense variant.
Genome position (GRCh38, 1-based): chr2:195,884,761, C>T on the plus strand (G>A on the coding strand, the complement: DNAH7 is on the minus strand). VCF-style: chr2-195884761-C-T. GRCh37 (hg19) VCF-style: chr2-196749485-C-T.
Other names: short protein forms D1863N.
Identifiers: ClinVar variation 2500169 (VCV002500169.1), dbSNP rs118190947, ClinGen allele CA2035349.

ClinVar aggregate classification (germline): no classifications from unflagged records (0 of 4 stars; one submission).

Conditions:
Ciliary dyskinesia, primary, 50 (CILD50). Identifiers: MedGen C5830473, MONDO:0957252, OMIM 620356.

Allele frequency attached by ClinVar (database versions not stated): gnomAD exomes 0.00013; ExAC 0.00012; gnomAD 0.00009; 1000 Genomes Project 0.00040; TOPMed 0.00003; 1000 Genomes Project 30x 0.00031.
gnomAD v4.1: 200 of 1,613,976 alleles (0.012%); highest among the groups gnomAD compares: East Asian, 0.44%; 1 homozygote.

Submission:

OMIM
Classification: Pathogenic for CILIARY DYSKINESIA, PRIMARY, 50. Last evaluated: 2023-04-28. Review status: flagged submission. Collection method: literature only. Allele origin: germline.
ClinVar note: Notes: Flagging candidate with reason of insufficient supporting evidence. This gene has been classified as having a limited gene-disease relationship by a ClinGen Expert Panel.
ClinVar note: Reason: P/LP classification for a variant in a gene with insufficient evidence for a gene-disease relationship

Literature cited by the submitters: PubMed 34476482.